The following is an entry in ClinVar:

ClinVar aggregate classification (germline): Uncertain significance (1 of 4 stars; one submission).

Allele frequency attached by ClinVar (database versions not stated): gnomAD 0.00002.
gnomAD v4.1: 3 of 1,606,332 alleles (0.00019%); highest among the groups gnomAD compares: African/African-American, 0.004%; no homozygotes.

Submission:

Labcorp Genetics (formerly Invitae), Labcorp
Classification: Uncertain significance. Last evaluated: 2022-02-17. Review status: criteria provided, single submitter. Criteria: Invitae Variant Classification Sherloc (09022015). Collection method: clinical testing. Allele origin: germline.
Comment: This sequence change replaces glutamine, which is neutral and polar, with leucine, which is neutral and non-polar, at codon 35 of the RUNX2 protein (p.Gln35Leu). This variant is not present in population databases (gnomAD no frequency). This variant has not been reported in the literature in individuals affected with RUNX2-related conditions. Algorithms developed to predict the effect of missense changes on protein structure and function (SIFT, PolyPhen-2, Align-GVGD) all suggest that this variant is likely to be tolerated. In summary, the available evidence is currently insufficient to determine the role of this variant in disease. Therefore, it has been classified as a Variant of Uncertain Significance.

NM_001024630.4(RUNX2):c.104A>T (p.Gln35Leu)

Gene: RUNX2 (RUNX family transcription factor 2; plus strand). Cytogenetic location: 6p21.1.
Variant type: single nucleotide variant.
Coding change: c.104A>T on transcript NM_001024630.4 (MANE Select); coding-DNA position 104, A replaced by T.
Protein change: p.Gln35Leu; replaces glutamine 35 with leucine.
Molecular consequence: missense variant.
Genome position (GRCh38, 1-based): chr6:45,422,638, A>T. VCF-style: chr6-45422638-A-T. GRCh37 (hg19) VCF-style: chr6-45390375-A-T.
Other names: c.62A>T, p.Gln21Leu (NM_001369405.1, NM_004348.3, NM_001278478.2); c.104A>T, p.Gln35Leu (NM_001015051.4); short protein forms Q21L, Q35L.
Identifiers: ClinVar variation 1978282 (VCV001978282.4), dbSNP rs1048885121, ClinGen allele CA138433982.